The following is an entry in ClinVar:

ClinVar aggregate classification (germline): Likely benign (1 of 4 stars; one submission).

Submission:

GeneDx
Classification: Likely benign. Last evaluated: 2017-05-18. Review status: criteria provided, single submitter. Criteria: GeneDx Variant Classification (06012015). Collection method: clinical testing. Allele origin: germline. Affected: yes.
Comment: This variant is considered likely benign or benign based on one or more of the following criteria: it is a conservative change, it occurs at a poorly conserved position in the protein, it is predicted to be benign by multiple in silico algorithms, and/or has population frequency not consistent with disease.

NM_016203.4(PRKAG2):c.-39C>A

Gene: PRKAG2 (protein kinase AMP-activated non-catalytic subunit gamma 2; minus strand). Cytogenetic location: 7q36.1.
Variant type: single nucleotide variant.
Coding change: c.-39C>A on transcript NM_016203.4 (MANE Select); 39 bases upstream of the start codon, C replaced by A.
Molecular consequence: 5 prime UTR variant.
Genome position (GRCh38, 1-based): chr7:151,876,659, G>T on the plus strand (C>A on the coding strand, the complement: PRKAG2 is on the minus strand). VCF-style: chr7-151876659-G-T. GRCh37 (hg19) VCF-style: chr7-151573744-G-T.
Identifiers: ClinVar variation 509689 (VCV000509689.1), dbSNP rs1554622689, ClinGen allele CA658797059.